The following is an entry in ClinVar:

NC_000016.9:g.(?_2093548)_(2096387_?)del

Gene: NTHL1 (nth like DNA glycosylase 1; minus strand). Cytogenetic location: 16p13.3.
Variant type: Deletion.
Identifiers: ClinVar variation 3243632 (VCV003243632.1).

ClinVar aggregate classification (germline): Uncertain significance (1 of 4 stars; one submission).

Submission:

Labcorp Genetics (formerly Invitae), Labcorp
Classification: Uncertain significance. Last evaluated: 2024-01-14. Review status: criteria provided, single submitter. Criteria: Invitae Variant Classification Sherloc (09022015). Collection method: clinical testing. Allele origin: unknown.
Comment: This variant is a gross deletion of the genomic region encompassing exon(s) 2-4 of the NTHL1 gene. This variant would be expected to be in-frame, preserving the integrity of the reading frame. This variant has not been reported in the literature in individuals affected with NTHL1-related conditions. Experimental studies and prediction algorithms are not available or were not evaluated, and the functional significance of this variant is currently unknown. In summary, the available evidence is currently insufficient to determine the role of this variant in disease. Therefore, it has been classified as a Variant of Uncertain Significance.